The following is an entry in ClinVar:

ClinVar aggregate classification (germline): Benign. Review status: criteria provided, multiple submitters, no conflicts (2 of 4 stars). 2 submissions from 2 submitters: Benign (2). Last evaluated 2018-01-13.

Conditions:
Retinitis pigmentosa (RP). Identifiers: Orphanet 791, MedGen C0035334, MeSH D012174, MONDO:0019200, OMIM 268000. Inheritance: Autosomal dominant, autosomal recessive and X linked inheritance.

Allele frequency attached by ClinVar (database versions not stated): ExAC 0.06995; gnomAD exomes 0.11576 and 0.13558; gnomAD 0.15371 and 0.15619; TOPMed 0.15540; 1000 Genomes Project 0.16873.
gnomAD v4.1: 57,624 of 448,878 alleles (13%); highest among the groups gnomAD compares: African/African-American, 22%; 4,598 homozygotes.

Submissions (2):

Illumina Laboratory Services, Illumina
Classification: Benign for Retinitis pigmentosa. Last evaluated: 2018-01-13. Review status: criteria provided, single submitter. Criteria: ICSL Variant Classification Criteria 13 December 2019. Collection method: clinical testing. Allele origin: germline.
Comment: This variant was observed in the ICSL laboratory as part of a predisposition screen in an ostensibly healthy population. It had not been previously curated by ICSL or reported in the Human Gene Mutation Database (HGMD: prior to June 1st, 2018), and was therefore a candidate for classification through an automated scoring system. Utilizing variant allele frequency, disease prevalence and penetrance estimates, and inheritance mode, an automated score was calculated to assess if this variant is too frequent to cause the disease. Based on the score and internal cut-off values, a variant classified as benign is not then subjected to further curation. The score for this variant resulted in a classification of benign for this disease.

Breakthrough Genomics
Classification: Benign. Review status: criteria provided, single submitter. Criteria: ACMG Guidelines, 2015. Collection method: not provided. Allele origin: germline. Inheritance: Autosomal recessive inheritance. Affected: yes.

NM_201548.5(CERKL):c.*420G>A

Genes: CERKL (CERK like autophagy regulator; minus strand), ITGA4 (integrin subunit alpha 4; plus strand). Cytogenetic location: 2q31.3.
Variant type: single nucleotide variant.
Coding change: c.*420G>A on transcript NM_201548.5 (MANE Select); 420 bases downstream of the stop codon, G replaced by A.
Molecular consequence: 3 prime UTR variant. On other transcripts: non-coding transcript variant (2).
Genome position (GRCh38, 1-based): chr2:181,537,764, C>T on the plus strand (G>A on the coding strand, the complement: CERKL is on the minus strand). VCF-style: chr2-181537764-C-T. GRCh37 (hg19) VCF-style: chr2-182402491-C-T.
Other names: c.*2237C>T (NM_000885.6); c.*420G>A (NM_001030311.3, NM_001030312.3, NM_001030313.3 and 1 more transcripts).
Identifiers: ClinVar variation 332996 (VCV000332996.6), dbSNP rs12614187, ClinGen allele CA2010301.